The following is an entry in ClinVar:

NM_001347721.2(DYRK1A):c.610C>T (p.His204Tyr)

Gene: DYRK1A (dual specificity tyrosine phosphorylation regulated kinase 1A; plus strand). Cytogenetic location: 21q22.13.
Variant type: single nucleotide variant.
Coding change: c.610C>T on transcript NM_001347721.2 (MANE Select); coding-DNA position 610, C replaced by T.
Protein change: p.His204Tyr; replaces histidine 204 with tyrosine.
Molecular consequence: missense variant.
Genome position (GRCh38, 1-based): chr21:37,486,587, C>T. VCF-style: chr21-37486587-C-T. GRCh37 (hg19) VCF-style: chr21-38858889-C-T.
Other names: c.610C>T, p.His204Tyr (NM_001347722.2, NM_130436.2); c.523C>T, p.His175Tyr (NM_001347723.2); c.637C>T, p.His213Tyr (NM_001396.5, NM_101395.2, NM_130438.2); short protein forms H175Y, H204Y, H213Y.
Identifiers: ClinVar variation 3369690 (VCV003369690.1).
Genomic context (GRCh38, chr21:37,486,587, plus strand): 5'-AAGAAGGCTTTTCTGAATCAAGCACAGATAGAAGTGCGACTTCTTGAGCTCATGAACAAA[C>T]ATGACACTGAAATGAAATACTACATAGGTAAACAAACAGGCAAACAGCGCAGTGTGCCCC-3'
Protein context (NP_001334650.1, residues 194-214): EVRLLELMNK[His204Tyr]DTEMKYYIVH

ClinVar aggregate classification (germline): Uncertain significance (1 of 4 stars; one submission).

Submission:

GeneDx
Classification: Uncertain significance. Last evaluated: 2024-03-09. Review status: criteria provided, single submitter. Criteria: GeneDx Variant Classification Process June 2021. Collection method: clinical testing. Allele origin: germline. Affected: yes.
Comment: Not observed at significant frequency in large population cohorts (gnomAD); In silico analysis supports that this missense variant does not alter protein structure/function; Has not been previously published as pathogenic or benign to our knowledge